The following is an entry in ClinVar:

ClinVar aggregate classification (germline): Uncertain significance (1 of 4 stars; one submission).

Conditions:
Inflammatory skin and bowel disease, neonatal, 1. Identifiers: Orphanet 294023, MedGen C3280501, MONDO:0013693, OMIM 614328.

Allele frequency attached by ClinVar (database versions not stated): gnomAD exomes below 0.00001; ExAC 0.00001; TOPMed 0.00001.
gnomAD v4.1: 2 of 1,577,664 alleles (0.00013%); no homozygotes.

Submission:

Labcorp Genetics (formerly Invitae), Labcorp
Classification: Uncertain significance for Inflammatory skin and bowel disease, neonatal, 1. Last evaluated: 2022-09-07. Review status: criteria provided, single submitter. Criteria: Invitae Variant Classification Sherloc (09022015). Collection method: clinical testing. Allele origin: germline.
Comment: In summary, the available evidence is currently insufficient to determine the role of this variant in disease. Therefore, it has been classified as a Variant of Uncertain Significance. Algorithms developed to predict the effect of missense changes on protein structure and function are either unavailable or do not agree on the potential impact of this missense change (SIFT: "Not Available"; PolyPhen-2: "Probably Damaging"; Align-GVGD: "Not Available"). ClinVar contains an entry for this variant (Variation ID: 1507253). This variant has not been reported in the literature in individuals affected with ADAM17-related conditions. This variant is present in population databases (rs772557660, gnomAD no frequency). This sequence change replaces serine with threonine at codon 125 of the ADAM17 protein (p.Ser125Thr). The serine residue is highly conserved and there is a small physicochemical difference between serine and threonine.

NM_003183.6(ADAM17):c.373T>A (p.Ser125Thr)

Gene: ADAM17 (ADAM metallopeptidase domain 17; minus strand). Cytogenetic location: 2p25.1.
Variant type: single nucleotide variant.
Coding change: c.373T>A on transcript NM_003183.6 (MANE Select); coding-DNA position 373, T replaced by A.
Protein change: p.Ser125Thr; replaces serine 125 with threonine.
Molecular consequence: missense variant. On other transcripts: 5 prime UTR variant (2).
Genome position (GRCh38, 1-based): chr2:9,535,911, A>T on the plus strand (T>A on the coding strand, the complement: ADAM17 is on the minus strand). VCF-style: chr2-9535911-A-T. GRCh37 (hg19) VCF-style: chr2-9676040-A-T.
Other names: c.-308T>A (NM_001382777.1); c.-550T>A (NM_001382778.1); short protein forms S125T.
Identifiers: ClinVar variation 1507253 (VCV001507253.8), dbSNP rs772557660, ClinGen allele CA1523779.